The following is an entry in ClinVar:

NM_000152.5(GAA):c.2431dup (p.Leu811fs)

Gene: GAA (alpha glucosidase; plus strand). Cytogenetic location: 17q25.3.
Variant type: Duplication.
Coding change: c.2431dup on transcript NM_000152.5 (MANE Select); coding-DNA position 2431, one base duplicated (C; older notation c.2431dupC).
Protein change: p.Leu811fs; shifts the reading frame from leucine 811.
Molecular consequence: frameshift variant.
Genome position (GRCh38, 1-based): chr17:80,117,699, C duplicated; the last of 6 consecutive C bases (chr17:80,117,694-80,117,699); duplicating any one gives the same sequence. VCF-style (leftmost placement, unchanged base first): chr17-80117693-G-GC. GRCh37 (hg19) VCF-style: chr17-78091492-G-GC.
Other names: NM_000152.5(GAA):c.2431dup; p.Leu811fs; c.2431dup, p.Leu811fs (NM_001079803.3, NM_001079804.3); c.2431dup (NM_000152.4); short protein forms L811fs.
Identifiers: ClinVar variation 1322950 (VCV001322950.14), dbSNP rs2143925402, ClinGen allele CA658795289.

ClinVar aggregate classification (germline): Pathogenic. Review status: reviewed by expert panel (3 of 4 stars). 6 submissions from 6 submitters: Pathogenic (1). 5 of the submissions do not count toward it. Last evaluated 2025-07-01.

Conditions:
Glycogen storage disease, type II (IOPD). Also called: CARDIOMEGALIA GLYCOGENICA DIFFUSA; GLYCOGENOSIS, GENERALIZED, CARDIAC FORM; GSD II; POMPE DISEASE, INFANTILE-ONSET; GLYCOGEN STORAGE DISEASE II, INFANTILE-ONSET; ACID ALPHA-GLUCOSIDASE DEFICIENCY, INFANTILE-ONSET. Identifiers: Orphanet 365, MedGen C0017921, MONDO:0009290, OMIM 232300.

Submissions (6):

ClinGen Lysosomal Storage Disorder Variant Curation Expert Panel
Classification: Pathogenic for Glycogen storage disease, type II. Last evaluated: 2025-07-01. Review status: reviewed by expert panel. Criteria: clingen_lsd_acmg_specifications_v2-1. Collection method: curation. Allele origin: germline. Inheritance: Autosomal recessive inheritance.
Comment: The NM_000152.5:c.2431dup (p.Leu811ProfsTer73) variant in GAA is a frameshift variant in exon 17 predicted to cause a premature stop codon, leading to nonsense mediated decay in a gene in which loss-of-function is an established disease mechanism (PVS1). At least one patient with this variant had documented GAA deficiency with <10% of normal mean control level of GAA activity in muscle sample (PMID: 10737124) (PP4_moderate). This individual was compound heterozygous for the variant and the common pathogenic IVS1 variant, phase unknown (PM3). Another two individuals have been reported with deficient GAA activity but results were not provided; these individual were described as having cross-reactive immunologic material (CRIM) negative classic infantile-onset Pompe disease (PMID: 27927596, 36572041) and one patient was reported to be on enzyme replacement therapy (PMID: 27927596). The highest population minor allele frequency in gnomAD v4.1.0. is 0.0000016 (2/1179844 alleles) in the Non-Finnish European population, which is lower than the ClinGen Lysosomal Diseases VCEP’s threshold for PM2_Supporting (<0.001), meeting this criterion (PM2_Supporting). There is a ClinVar entry for this variant (Variation ID: 1322950). Of note, this variant has been described in the literature using historical nomenclature, including c.2432insC (PMID:10737124) and c.2431insC (PMID: 27927596); for the purpose of this summary, current HGVS nomenclature was used. In summary, this variant meets the criteria to be classified as pathogenic for Pompe disease based on the GAA-specific ACMG/AMP criteria applied, as specified by the ClinGen Lysosomal Diseases Variant Curation Expert panel (Specifications Version 2.0): PVS1, PP4_moderate, PM3, PM2_supporting (Classification approved by the ClinGen Lysosomal Diseases Variant Curation Expert Panel on July 1, 2025)

Genomenon, Inc
Classification: Pathogenic for Glycogen storage disease, type II. Last evaluated: 2026-07-01. Review status: criteria provided, single submitter. Criteria: Genomenon Sequence Variant Interpretation Standards - Updated. Collection method: curation. Allele origin: germline. Affected: yes. Not counted in ClinVar's aggregate classification.
Comment: GAA p.Leu811ProfsTer73 (c.2431dup) is a frameshift variant that is predicted to introduce a premature termination codon and result in a truncated or absent protein product. This variant has been observed in at least one proband with a GAA-related disorder (PMID:35002125;23843830;25626711;38958145;33301762;10737124). It is absent or not present at a significant frequency in gnomAD. In conclusion, we classify GAA p.Leu811ProfsTer73 (c.2431dup) as a pathogenic variant.

Natera, Inc.
Classification: Pathogenic for Glycogen storage disease type II. Last evaluated: 2026-01-26. Review status: criteria provided, single submitter. Criteria: Natera Variant Classification Schema (03/2026). Collection method: clinical testing. Allele origin: germline. Not counted in ClinVar's aggregate classification.
Comment: The c.2431dup variant in GAA is a frameshift variant predicted to shift the reading frame beginning at codon 811 and leads to a stop codon 73 codons downstream. This variant is expected to result in nonsense mediated decay, truncation, or a dysfunctional protein product. This variant is rare in the general population with a frequency below the threshold expected for the associated phenotype(s). This variant has been observed in one or more individuals affected with the associated recessive disease, as either homozygous or compound heterozygous with a second variant (PMID: 10737124, 33301762, 27927596). Given the available evidence, this variant is classified as Pathogenic.

Labcorp Genetics (formerly Invitae), Labcorp
Classification: Pathogenic for Glycogen storage disease, type II. Last evaluated: 2024-05-20. Review status: criteria provided, single submitter. Criteria: Invitae Variant Classification Sherloc (09022015). Collection method: clinical testing. Allele origin: germline. Not counted in ClinVar's aggregate classification.
Comment: This sequence change creates a premature translational stop signal (p.Leu811Profs*73) in the GAA gene. It is expected to result in an absent or disrupted protein product. Loss-of-function variants in GAA are known to be pathogenic (PMID: 18425781, 22252923). This variant is not present in population databases (gnomAD no frequency). This premature translational stop signal has been observed in individual(s) with Pompe disease (PMID: 10737124). ClinVar contains an entry for this variant (Variation ID: 1322950). For these reasons, this variant has been classified as Pathogenic.

Baylor Genetics
Classification: Pathogenic for Glycogen storage disease, type II. Last evaluated: 2023-12-24. Review status: criteria provided, single submitter. Criteria: ACMG Guidelines, 2015. Collection method: clinical testing. Allele origin: unknown. Not counted in ClinVar's aggregate classification.

Revvity Omics, Revvity
Classification: Pathogenic. Last evaluated: 2022-03-03. Review status: criteria provided, single submitter. Criteria: ACMG Guidelines, 2015. Collection method: clinical testing. Allele origin: germline. Not counted in ClinVar's aggregate classification.

Literature cited by the submitters: PubMed 35002125 (cited by Genomenon, Inc); PubMed 23843830 (cited by Genomenon, Inc); PubMed 25626711 (cited by Genomenon, Inc); PubMed 38958145 (cited by Genomenon, Inc); PubMed 33301762 (cited by Genomenon, Inc and Natera, Inc.); PubMed 10737124 (cited by 3 submitters); PubMed 27927596 (cited by Natera, Inc.); PubMed 18425781 (cited by Labcorp Genetics (formerly Invitae), Labcorp); PubMed 22252923 (cited by Labcorp Genetics (formerly Invitae), Labcorp).